The following is an entry in ClinVar:

ClinVar aggregate classification (germline): Uncertain significance. Review status: criteria provided, multiple submitters, no conflicts (2 of 4 stars). 4 submissions from 4 submitters: Uncertain significance (4). Last evaluated 2024-06-17.

Conditions:
Inborn genetic diseases. Identifiers: MedGen C0950123, MeSH D030342.
Progressive myoclonic epilepsy. Also called: Myoclonus epilepsy; Progressive myoclonus epilepsy; Familial progressive myoclonic epilepsy; Myoclonic Epilepsies, Progressive. Identifiers: Orphanet 308, Orphanet 98261, MedGen C0751778, MONDO:0020074.
Action myoclonus-renal failure syndrome. Also called: SCARB2-Related Action Myoclonus-Renal Failure Syndrome; MYOCLONUS-NEPHROPATHY SYNDROME; EPILEPSY, PROGRESSIVE MYOCLONIC, 4, WITH RENAL FAILURE; EPILEPSY, PROGRESSIVE MYOCLONIC, 4, WITHOUT RENAL FAILURE. Identifiers: Orphanet 163696, MedGen C0751779, MeSH D020191, MONDO:0009699, OMIM 254900.

Allele frequency attached by ClinVar (database versions not stated): ExAC 0.00001; gnomAD exomes 0.00001 and 0.00002; TOPMed 0.00002; gnomAD 0.00003.
gnomAD v4.1: 28 of 1,613,316 alleles (0.0017%); highest among the groups gnomAD compares: Middle Eastern, 0.017%; no homozygotes.

Submissions (4):

Ambry Genetics
Classification: Uncertain significance for Inborn genetic diseases. Last evaluated: 2024-06-17. Review status: criteria provided, single submitter. Criteria: Ambry Variant Classification Scheme 2023. Collection method: clinical testing. Allele origin: germline.

Labcorp Genetics (formerly Invitae), Labcorp
Classification: Uncertain significance for Progressive myoclonic epilepsy. Last evaluated: 2022-05-05. Review status: criteria provided, single submitter. Criteria: Invitae Variant Classification Sherloc (09022015). Collection method: clinical testing. Allele origin: germline.
Comment: This sequence change replaces leucine, which is neutral and non-polar, with phenylalanine, which is neutral and non-polar, at codon 94 of the SCARB2 protein (p.Leu94Phe). This variant is present in population databases (rs752416481, gnomAD 0.003%). This variant has not been reported in the literature in individuals affected with SCARB2-related conditions. ClinVar contains an entry for this variant (Variation ID: 531810). Algorithms developed to predict the effect of missense changes on protein structure and function (SIFT, PolyPhen-2, Align-GVGD) all suggest that this variant is likely to be tolerated. In summary, the available evidence is currently insufficient to determine the role of this variant in disease. Therefore, it has been classified as a Variant of Uncertain Significance.

Fulgent Genetics
Classification: Uncertain significance for Action myoclonus-renal failure syndrome. Last evaluated: 2021-10-26. Review status: criteria provided, single submitter. Criteria: ACMG Guidelines, 2015. Collection method: clinical testing. Allele origin: unknown.

GeneDx
Classification: Uncertain significance. Last evaluated: 2021-01-05. Review status: criteria provided, single submitter. Criteria: GeneDx Variant Classification Process June 2021. Collection method: clinical testing. Allele origin: germline. Affected: yes.
Comment: Not observed at a significant frequency in large population cohorts (Lek et al., 2016); In silico analysis supports that this missense variant does not alter protein structure/function; Has not been previously published as pathogenic or benign to our knowledge

NM_005506.4(SCARB2):c.280C>T (p.Leu94Phe)

Gene: SCARB2 (scavenger receptor class B member 2; minus strand). Cytogenetic location: 4q21.1.
Variant type: single nucleotide variant.
Coding change: c.280C>T on transcript NM_005506.4 (MANE Select); coding-DNA position 280, C replaced by T.
Protein change: p.Leu94Phe; replaces leucine 94 with phenylalanine.
Molecular consequence: missense variant. On other transcripts: intron variant (1).
Genome position (GRCh38, 1-based): chr4:76,181,097, G>A on the plus strand (C>T on the coding strand, the complement: SCARB2 is on the minus strand). VCF-style: chr4-76181097-G-A. GRCh37 (hg19) VCF-style: chr4-77102250-G-A.
Other names: c.276-5187C>T (NM_001204255.2); short protein forms L94F.
Identifiers: ClinVar variation 531810 (VCV000531810.8), dbSNP rs752416481, ClinGen allele CA2970358.